The following is an entry in ClinVar:

ClinVar aggregate classification (germline): Conflicting classifications of pathogenicity. Review status: criteria provided, conflicting classifications (1 of 4 stars). 2 submissions from 2 submitters: Likely pathogenic (1); Uncertain significance (1). Last evaluated 2020-02-03.

Conditions:
Mosaic variegated aneuploidy syndrome 2 (MVA2). Identifiers: Orphanet 1052, MedGen C3279843, MONDO:0013582, OMIM 614114.

Submissions (2):

Baylor Genetics
Classification: Uncertain significance for Mosaic variegated aneuploidy syndrome 2. Last evaluated: 2020-02-03. Review status: criteria provided, single submitter. Criteria: ACMG Guidelines, 2015. Collection method: clinical testing. Allele origin: unknown. Affected: yes.
Comment: This variant was determined to be of uncertain significance according to ACMG Guidelines, 2015 [PMID:25741868].

Genomic Medicine Center of Excellence, King Faisal Specialist Hospital and Research Centre
Classification: Likely pathogenic. Review status: criteria provided, single submitter. Criteria: ACMG Guidelines, 2015. Collection method: research. Allele origin: germline. Affected: yes.

NM_014679.5(CEP57):c.89G>C (p.Arg30Pro)

Gene: CEP57 (centrosomal protein 57; plus strand). Cytogenetic location: 11q21.
Variant type: single nucleotide variant.
Coding change: c.89G>C on transcript NM_014679.5 (MANE Select); coding-DNA position 89, G replaced by C.
Protein change: p.Arg30Pro; replaces arginine 30 with proline.
Molecular consequence: missense variant.
Genome position (GRCh38, 1-based): chr11:95,799,275, G>C. VCF-style: chr11-95799275-G-C. GRCh37 (hg19) VCF-style: chr11-95532439-G-C.
Other names: c.62G>C, p.Arg21Pro (NM_001243776.2); c.89G>C, p.Arg30Pro (NM_001243777.2); c.8G>C, p.Arg3Pro (NM_001363604.2); short protein forms R30P, R3P, R21P.
Identifiers: ClinVar variation 191025 (VCV000191025.2), dbSNP rs577173144, ClinGen allele CA235845.